The following is an entry in ClinVar:

NM_000439.5(PCSK1):c.650C>T (p.Ala217Val)

Genes: CAST (calpastatin; plus strand), PCSK1 (proprotein convertase subtilisin/kexin type 1; minus strand), LOC101929710 (uncharacterized LOC101929710; plus strand). Cytogenetic location: 5q15.
Variant type: single nucleotide variant.
Coding change: c.650C>T on transcript NM_000439.5 (MANE Select); coding-DNA position 650, C replaced by T.
Protein change: p.Ala217Val; replaces alanine 217 with valine.
Molecular consequence: missense variant. On other transcripts: intron variant (11).
Genome position (GRCh38, 1-based): chr5:96,416,092, G>A on the plus strand (C>T on the coding strand, the complement: PCSK1 is on the minus strand). VCF-style: chr5-96416092-G-A. GRCh37 (hg19) VCF-style: chr5-95751796-G-A.
Other names: c.509C>T, p.Ala170Val (NM_001177875.2); c.-175+36440G>A (NM_001423254.1, NM_001423259.1, NM_001423255.1 and 6 more transcripts); c.-103+36440G>A (NM_001423253.1); c.-40+36440G>A (NM_001423258.1); short protein forms A170V, A217V.
Identifiers: ClinVar variation 3355174 (VCV003355174.1).
Genomic context (GRCh38, chr5:96,416,092, plus strand): 5'-CCTCCAACTTTGGAATTGTATGCAACTCCAACCCCGCATTTGTGATTATTTGCTTGCATG[G>A]CAATTTCTCCTGCACATCTGGTCCCGTGTCTGAGGATTGAAAAATAAGAATTATAAAACA-3'
Protein context (NP_000430.3, residues 207-227): KHGTRCAGEI[Ala217Val]MQANNHKCGV

ClinVar aggregate classification (germline): Uncertain significance (0 of 4 stars; one submission).

Conditions:
PCSK1-related disorder. Also called: PCSK1-related condition.

gnomAD v4.1: 192 of 1,612,254 alleles (0.012%); highest among the groups gnomAD compares: Non-Finnish European, 0.016%; no homozygotes.

Submission:

PreventionGenetics, part of Exact Sciences
Classification: Uncertain significance for PCSK1-related condition. Last evaluated: 2024-05-21. Review status: no assertion criteria provided. Collection method: clinical testing. Allele origin: germline.
Comment: The PCSK1 c.650C>T variant is predicted to result in the amino acid substitution p.Ala217Val. This variant was observed in a cohort of obese individuals, and in vitro functional studies show inconclusive evidence of loss of function (Table 3 and Supplemental Data Set, Shah et al. 2023. PubMed ID: 36864747). It is reported in 0.0093% of alleles in individuals of European (non-Finnish) descent in gnomAD. At this time, the clinical significance of this variant is uncertain due to the absence of conclusive functional and genetic evidence.